The following is an entry in ClinVar:

NM_020458.4(TTC7A):c.1057G>A (p.Glu353Lys)

Gene: TTC7A (tetratricopeptide repeat domain 7A; plus strand). Cytogenetic location: 2p21.
Variant type: single nucleotide variant.
Coding change: c.1057G>A on transcript NM_020458.4 (MANE Select); coding-DNA position 1057, G replaced by A.
Protein change: p.Glu353Lys; replaces glutamic acid 353 with lysine.
Molecular consequence: missense variant. On other transcripts: 5 prime UTR variant (1).
Genome position (GRCh38, 1-based): chr2:46,995,191, G>A. VCF-style: chr2-46995191-G-A. GRCh37 (hg19) VCF-style: chr2-47222330-G-A.
Other names: c.1057G>A, p.Glu353Lys (NM_001288951.2); c.955G>A, p.Glu319Lys (NM_001288953.2); c.-6G>A (NM_001288955.2); short protein forms E319K, E353K.
Identifiers: ClinVar variation 1898102 (VCV001898102.6), dbSNP rs1043242155, ClinGen allele CA46619377.

ClinVar aggregate classification (germline): Uncertain significance. Review status: criteria provided, multiple submitters, no conflicts (2 of 4 stars). 2 submissions from 2 submitters: Uncertain significance (2). Last evaluated 2026-04-01.

Conditions:
Intestinal malrotation. Also called: INTESTINAL MALROTATION, FAMILIAL; Volvulus of midgut; Congenital malrotation of intestine. Identifiers: Orphanet 2454, Orphanet 508410, MedGen C0221210, MONDO:0008666, OMIM 193250, HP:0002566.
Multiple gastrointestinal atresias. Also called: FAMILIAL INTESTINAL POLYATRESIA SYNDROME; Multiple intestinal atresia. Identifiers: Orphanet 2300, MedGen C0220744, MONDO:0009465.

Allele frequency attached by ClinVar (database versions not stated): gnomAD exomes 0.00001; TOPMed below 0.00001; gnomAD 0.00001.
gnomAD v4.1: 11 of 1,613,952 alleles (0.00068%); highest among the groups gnomAD compares: Middle Eastern, 0.033%; no homozygotes.

Submissions (2):

Rare Disease Group, Clinical Genetics, Karolinska Institutet
Classification: Uncertain significance for Intestinal malrotation. Last evaluated: 2026-04-01. Review status: criteria provided, single submitter. Criteria: ACMG Guidelines, 2015. Collection method: research. Allele origin: germline. Affected: yes.

Labcorp Genetics (formerly Invitae), Labcorp
Classification: Uncertain significance for Multiple gastrointestinal atresias. Last evaluated: 2022-08-09. Review status: criteria provided, single submitter. Criteria: Invitae Variant Classification Sherloc (09022015). Collection method: clinical testing. Allele origin: germline.
Comment: In summary, the available evidence is currently insufficient to determine the role of this variant in disease. Therefore, it has been classified as a Variant of Uncertain Significance. Algorithms developed to predict the effect of missense changes on protein structure and function are either unavailable or do not agree on the potential impact of this missense change (SIFT: "Tolerated"; PolyPhen-2: "Probably Damaging"; Align-GVGD: "Class C0"). This variant has not been reported in the literature in individuals affected with TTC7A-related conditions. This variant is present in population databases (no rsID available, gnomAD 0.01%). This sequence change replaces glutamic acid, which is acidic and polar, with lysine, which is basic and polar, at codon 353 of the TTC7A protein (p.Glu353Lys).